The following is an entry in ClinVar:

ClinVar aggregate classification (germline): Uncertain significance (1 of 4 stars; one submission).

Allele frequency attached by ClinVar (database versions not stated): TOPMed 0.00001.

Submission:

Labcorp Genetics (formerly Invitae), Labcorp
Classification: Uncertain significance. Last evaluated: 2021-06-25. Review status: criteria provided, single submitter. Criteria: Invitae Variant Classification Sherloc (09022015). Collection method: clinical testing. Allele origin: germline.
Comment: This variant has not been reported in the literature in individuals with DEAF1-related conditions. In summary, the available evidence is currently insufficient to determine the role of this variant in disease. Therefore, it has been classified as a Variant of Uncertain Significance. Advanced modeling of protein sequence and biophysical properties (such as structural, functional, and spatial information, amino acid conservation, physicochemical variation, residue mobility, and thermodynamic stability) performed at Invitae indicates that this missense variant is expected to disrupt DEAF1 protein function. This variant is not present in population databases (ExAC no frequency). This sequence change replaces histidine with tyrosine at codon 389 of the DEAF1 protein (p.His389Tyr). The histidine residue is highly conserved and there is a moderate physicochemical difference between histidine and tyrosine.

NM_021008.4(DEAF1):c.1165C>T (p.His389Tyr)

Gene: DEAF1 (DEAF1 transcription factor; minus strand). Cytogenetic location: 11p15.5.
Variant type: single nucleotide variant.
Coding change: c.1165C>T on transcript NM_021008.4 (MANE Select); coding-DNA position 1165, C replaced by T.
Protein change: p.His389Tyr; replaces histidine 389 with tyrosine.
Molecular consequence: missense variant.
Genome position (GRCh38, 1-based): chr11:678,784, G>A on the plus strand (C>T on the coding strand, the complement: DEAF1 is on the minus strand). VCF-style: chr11-678784-G-A. GRCh37 (hg19) VCF-style: chr11-678784-G-A.
Other names: c.898C>T, p.His300Tyr (NM_001293634.2); c.439C>T, p.His147Tyr (NM_001367390.1); short protein forms H147Y, H300Y, H389Y.
Identifiers: ClinVar variation 1494124 (VCV001494124.8), dbSNP rs1860195318, ClinGen allele CA378925589.